The following is an entry in ClinVar:

Conditions:
Breast-ovarian cancer, familial, susceptibility to, 1 (BROVCA1). Also called: BRCA1 Hereditary Breast and Ovarian Cancer; OVARIAN CANCER, SUSCEPTIBILITY TO. Identifiers: Orphanet 145, MedGen C2676676, MONDO:0011450, OMIM 604370. Disease mechanism: loss of function.

Submission:

Brotman Baty Institute, University of Washington
No classification provided (evidence only). Condition: Breast-ovarian cancer, familial 1. Review status: no classification provided. Collection method: in vitro. Allele origin: not applicable. Functional consequence: functionally_normal.
ClinVar note: "not provided" was previously submitted as the classification for the variant. However, the classification appeared to be based only on an observation of functional data so it was converted to no classification on 2025-07-30.

NM_007294.4(BRCA1):c.5517G>T (p.Leu1839Phe)

Gene: BRCA1 (BRCA1 DNA repair associated; minus strand). Cytogenetic location: 17q21.31.
Variant type: single nucleotide variant.
Coding change: c.5517G>T on transcript NM_007294.4 (MANE Select); coding-DNA position 5517, G replaced by T.
Protein change: p.Leu1839Phe; replaces leucine 1839 with phenylalanine.
Molecular consequence: missense variant. On other transcripts: 3 prime UTR variant (1), non-coding transcript variant (1).
Genome position (GRCh38, 1-based): chr17:43,045,753, C>A on the plus strand (G>T on the coding strand, the complement: BRCA1 is on the minus strand). VCF-style: chr17-43045753-C-A. GRCh37 (hg19) VCF-style: chr17-41197770-C-A.
Other names: c.2064G>T, p.Leu688Phe (NM_001408459.1, NM_001408460.1, NM_001408461.1 and 7 more transcripts); c.2061G>T, p.Leu687Phe (NM_001408468.1, NM_001408469.1, NM_001408470.1); c.5373G>T, p.Leu1791Phe (NM_001407742.1, NM_001407743.1, NM_001407744.1 and 18 more transcripts); c.2202G>T, p.Leu734Phe (NM_001408399.1, NM_001408400.1, NM_001408401.1 and 7 more transcripts); c.2199G>T, p.Leu733Phe (NM_001408406.1, NM_001408407.1, NM_001408408.1); c.2196G>T, p.Leu732Phe (NM_001408409.1); c.5514G>T, p.Leu1838Phe (NM_001407618.1, NM_001407619.1, NM_001407620.1 and 14 more transcripts); c.5511G>T, p.Leu1837Phe (NM_001407627.1, NM_001407637.1, NM_001407638.1 and 13 more transcripts); and 74 more; short protein forms L1839F, L735F, L1792F, L1860F, L1768F, L1796F, L1820F, L1837F.
Identifiers: ClinVar variation 867619 (VCV000867619.3), dbSNP rs2050875063, ClinGen allele CA10590286.
Genomic context (GRCh38, chr17:43,045,753, plus strand): 5'-GGGGATCTGGGGTATCAGGTAGGTGTCCAGCTCCTGGCACTGGTAGAGTGCTACACTGTC[C>A]AACACCCACTCTCGGGTCACCACAGGTGCCTCACACATCTGCCCAATTGCTGGAGACAGA-3'
Protein context (NP_009225.1, residues 1829-1849): EAPVVTREWV[Leu1839Phe]DSVALYQCQE